The following is an entry in ClinVar:

ClinVar aggregate classification (germline): Uncertain significance (1 of 4 stars; one submission).

Conditions:
Hereditary cancer-predisposing syndrome. Also called: Neoplastic Syndromes, Hereditary; Tumor predisposition; Hereditary neoplastic syndrome; Hereditary Cancer Syndrome. Identifiers: Orphanet 140162, MedGen C0027672, MeSH D009386, MONDO:0015356.

Submission:

Ambry Genetics
Classification: Uncertain significance for Hereditary cancer-predisposing syndrome. Last evaluated: 2024-03-12. Review status: criteria provided, single submitter. Criteria: Ambry Variant Classification Scheme 2023. Collection method: clinical testing. Allele origin: germline.
Comment: The p.K971E variant (also known as c.2911A>G), located in coding exon 20 of the TSC1 gene, results from an A to G substitution at nucleotide position 2911. The lysine at codon 971 is replaced by glutamic acid, an amino acid with similar properties. This amino acid position is conserved. In addition, the in silico prediction for this alteration is inconclusive. Based on the available evidence, the clinical significance of this alteration remains unclear.

NM_000368.5(TSC1):c.2911A>G (p.Lys971Glu)

Gene: TSC1 (TSC complex subunit 1; minus strand). Cytogenetic location: 9q34.13.
Variant type: single nucleotide variant.
Coding change: c.2911A>G on transcript NM_000368.5 (MANE Select); coding-DNA position 2911, A replaced by G.
Protein change: p.Lys971Glu; replaces lysine 971 with glutamic acid.
Molecular consequence: missense variant. On other transcripts: non-coding transcript variant (5).
Genome position (GRCh38, 1-based): chr9:132,897,248, T>C on the plus strand (A>G on the coding strand, the complement: TSC1 is on the minus strand). VCF-style: chr9-132897248-T-C. GRCh37 (hg19) VCF-style: chr9-135772635-T-C.
Other names: c.2908A>G, p.Lys970Glu (NM_001162426.2, NM_001406597.1, NM_001406598.1 and 2 more transcripts); c.2758A>G, p.Lys920Glu (NM_001162427.2, NM_001406610.1); c.2548A>G, p.Lys850Glu (NM_001362177.2, NM_001406614.1, NM_001406615.1 and 4 more transcripts); c.2911A>G, p.Lys971Glu (NM_001406592.1, NM_001406593.1, NM_001406594.1 and 2 more transcripts); c.2896A>G, p.Lys966Glu (NM_001406601.1, NM_001406602.1); c.2893A>G, p.Lys965Glu (NM_001406603.1, NM_001406604.1); c.2869A>G, p.Lys957Glu (NM_001406605.1, NM_001406606.1, NM_001406607.1); c.2866A>G, p.Lys956Glu (NM_001406608.1, NM_001406609.1); and 8 more; short protein forms K620E, K653E, K654E, K835E, K836E, K849E, K850E, K905E.
Identifiers: ClinVar variation 3231310 (VCV003231310.1), dbSNP rs2538477787, ClinGen allele CA375368561.